The following is an entry in ClinVar:

ClinVar aggregate classification (germline): Uncertain significance (1 of 4 stars; one submission).

Conditions:
Charcot-Marie-Tooth disease type 4. Also called: Charcot-Marie-Tooth, Type 4; Charcot-Marie-Tooth disease, type IV. Identifiers: Orphanet 64749, MedGen C4082197, MONDO:0018995.

Allele frequency attached by ClinVar (database versions not stated): gnomAD exomes 0.00002 and 0.00007; TOPMed 0.00002; ExAC 0.00008.
gnomAD v4.1: 32 of 1,613,942 alleles (0.002%); highest among the groups gnomAD compares: Admixed American, 0.025%; no homozygotes.

Submission:

Labcorp Genetics (formerly Invitae), Labcorp
Classification: Uncertain significance for Charcot-Marie-Tooth disease type 4. Last evaluated: 2024-05-01. Review status: criteria provided, single submitter. Criteria: Invitae Variant Classification Sherloc (09022015). Collection method: clinical testing. Allele origin: germline.
Comment: This sequence change replaces arginine, which is basic and polar, with glutamine, which is neutral and polar, at codon 500 of the SBF2 protein (p.Arg500Gln). This variant is present in population databases (rs759084094, gnomAD 0.03%). This variant has not been reported in the literature in individuals affected with SBF2-related conditions. ClinVar contains an entry for this variant (Variation ID: 641015). Advanced modeling of protein sequence and biophysical properties (such as structural, functional, and spatial information, amino acid conservation, physicochemical variation, residue mobility, and thermodynamic stability) performed at Invitae indicates that this missense variant is not expected to disrupt SBF2 protein function with a negative predictive value of 80%. In summary, the available evidence is currently insufficient to determine the role of this variant in disease. Therefore, it has been classified as a Variant of Uncertain Significance.

NM_030962.4(SBF2):c.1499G>A (p.Arg500Gln)

Gene: SBF2 (SET binding factor 2; minus strand). Cytogenetic location: 11p15.4.
Variant type: single nucleotide variant.
Coding change: c.1499G>A on transcript NM_030962.4 (MANE Select); coding-DNA position 1499, G replaced by A.
Protein change: p.Arg500Gln; replaces arginine 500 with glutamine.
Molecular consequence: missense variant.
Genome position (GRCh38, 1-based): chr11:9,968,442, C>T on the plus strand (G>A on the coding strand, the complement: SBF2 is on the minus strand). VCF-style: chr11-9968442-C-T. GRCh37 (hg19) VCF-style: chr11-9989989-C-T.
Other names: c.1499G>A, p.Arg500Gln (NM_001386339.1); c.1370G>A, p.Arg457Gln (NM_001386342.1); short protein forms R500Q, R457Q.
Identifiers: ClinVar variation 641015 (VCV000641015.8), dbSNP rs759084094, ClinGen allele CA5881812.
Genomic context (GRCh38, chr11:9,968,442, plus strand): 5'-CGTGTGGCAGGAGGTGCATTCTGGTTCTTAGCAACATTTTCCTGTATTAATTCCTGAACC[C>T]GGGCTTCATTAATCTCTGGGAAAGGAAGAATATGAACTCGCAAATGGGATCCTTCTGTTG-3'
Protein context (NP_112224.1, residues 490-510): ILPFPEINEA[Arg500Gln]VQELIQENVA